The following is an entry in ClinVar:

NM_001365276.2(TNXB):c.4947G>C (p.Gln1649His)

Gene: TNXB (tenascin XB; minus strand). Cytogenetic location: 6p21.33.
Variant type: single nucleotide variant.
Coding change: c.4947G>C on transcript NM_001365276.2 (MANE Select); coding-DNA position 4947, G replaced by C.
Protein change: p.Gln1649His; replaces glutamine 1649 with histidine.
Molecular consequence: missense variant.
Genome position (GRCh38, 1-based): chr6:32,072,033, C>G on the plus strand (G>C on the coding strand, the complement: TNXB is on the minus strand). VCF-style: chr6-32072033-C-G. GRCh37 (hg19) VCF-style: chr6-32039810-C-G.
Other names: c.5688G>C, p.Gln1896His (NM_001428335.1); c.4947G>C, p.Gln1649His (NM_019105.8); short protein forms Q1649H, Q1896H.
Identifiers: ClinVar variation 3809324 (VCV003809324.1).
Genomic context (GRCh38, chr6:32,072,033, plus strand): 5'-GTAGGGGCCCATCTCACCCGTCTTTGCCTCCACAGAGACTGGGCTGCGTCGTTTCCCATC[C>G]TGGATCCCAAAGAGCAGGAACTTGTACTTGCGGGAGGGTTCCAGGTCAGGGATAGTGACC-3'
Protein context (NP_001352205.1, residues 1639-1659): RKYKFLLFGI[Gln1649His]DGKRRSPVSV

ClinVar aggregate classification (germline): Uncertain significance (1 of 4 stars; one submission).

Conditions:
Cardiovascular phenotype. Identifiers: MedGen CN230736.

gnomAD v4.1: 2 of 1,609,022 alleles (0.00012%); highest among the groups gnomAD compares: East Asian, 0.0045%; no homozygotes.

Submission:

Ambry Genetics
Classification: Uncertain significance for Cardiovascular phenotype. Last evaluated: 2024-12-31. Review status: criteria provided, single submitter. Criteria: Ambry Variant Classification Scheme 2023. Collection method: clinical testing. Allele origin: germline.
Comment: The p.Q1649H variant (also known as c.4947G>C), located in coding exon 12 of the TNXB gene, results from a G to C substitution at nucleotide position 4947. The glutamine at codon 1649 is replaced by histidine, an amino acid with highly similar properties. This amino acid position is conserved. In addition, this alteration is predicted to be tolerated by in silico analysis. Based on the available evidence, the clinical significance of this variant remains unclear.